The following is an entry in ClinVar:

NM_001378418.1(TCF20):c.1679C>T (p.Pro560Leu)

Gene: TCF20 (transcription factor 20; minus strand). Cytogenetic location: 22q13.2.
Variant type: single nucleotide variant.
Coding change: c.1679C>T on transcript NM_001378418.1 (MANE Select); coding-DNA position 1679, C replaced by T.
Protein change: p.Pro560Leu; replaces proline 560 with leucine.
Molecular consequence: missense variant.
Genome position (GRCh38, 1-based): chr22:42,213,627, G>A on the plus strand (C>T on the coding strand, the complement: TCF20 is on the minus strand). VCF-style: chr22-42213627-G-A. GRCh37 (hg19) VCF-style: chr22-42609633-G-A.
Other names: c.1679C>T, p.Pro560Leu (NM_005650.4, NM_181492.3); short protein forms P560L.
Identifiers: ClinVar variation 2712192 (VCV002712192.3), dbSNP rs758708684, ClinGen allele CA10267143.

ClinVar aggregate classification (germline): Uncertain significance (1 of 4 stars; one submission).

Allele frequency attached by ClinVar (database versions not stated): gnomAD 0.00001; ExAC 0.00002; gnomAD exomes 0.00002; TOPMed 0.00002.
gnomAD v4.1: 37 of 1,613,984 alleles (0.0023%); highest among the groups gnomAD compares: Middle Eastern, 0.016%; no homozygotes.

Submission:

Labcorp Genetics (formerly Invitae), Labcorp
Classification: Uncertain significance. Last evaluated: 2025-06-17. Review status: criteria provided, single submitter. Criteria: Invitae Variant Classification Sherloc (09022015). Collection method: clinical testing. Allele origin: germline.
Comment: This sequence change replaces proline, which is neutral and non-polar, with leucine, which is neutral and non-polar, at codon 560 of the TCF20 protein (p.Pro560Leu). This variant is present in population databases (rs758708684, gnomAD 0.01%). This variant has not been reported in the literature in individuals affected with TCF20-related conditions. ClinVar contains an entry for this variant (Variation ID: 2712192). An algorithm developed to predict the effect of missense changes on protein structure and function (PolyPhen-2) suggests that this variant is likely to be disruptive. In summary, the available evidence is currently insufficient to determine the role of this variant in disease. Therefore, it has been classified as a Variant of Uncertain Significance.